The following is an entry in ClinVar:

NM_032776.3(JMJD1C):c.5008C>A (p.Pro1670Thr)

Gene: JMJD1C (jumonji domain containing 1C; minus strand). Cytogenetic location: 10q21.3.
Variant type: single nucleotide variant.
Coding change: c.5008C>A on transcript NM_032776.3 (MANE Select); coding-DNA position 5008, C replaced by A.
Protein change: p.Pro1670Thr; replaces proline 1670 with threonine.
Molecular consequence: missense variant. On other transcripts: non-coding transcript variant (1).
Genome position (GRCh38, 1-based): chr10:63,206,661, G>T on the plus strand (C>A on the coding strand, the complement: JMJD1C is on the minus strand). VCF-style: chr10-63206661-G-T. GRCh37 (hg19) VCF-style: chr10-64966421-G-T.
Other names: c.4462C>A, p.Pro1488Thr (NM_001282948.2, NM_001318154.2); c.4144C>A, p.Pro1382Thr (NM_001318153.2); c.4894C>A, p.Pro1632Thr (NM_001322252.2); c.4351C>A, p.Pro1451Thr (NM_001322254.2, NM_001322258.2); short protein forms P1451T, P1632T, P1670T, P1382T, P1488T.
Identifiers: ClinVar variation 2977523 (VCV002977523.3), dbSNP rs998562939, ClinGen allele CA208371191.

ClinVar aggregate classification (germline): Uncertain significance (1 of 4 stars; one submission).

Conditions:
Early Myoclonic Encephalopathy. Identifiers: MedGen C0270855.

Allele frequency attached by ClinVar (database versions not stated): TOPMed below 0.00001.

Submission:

Labcorp Genetics (formerly Invitae), Labcorp
Classification: Uncertain significance for Early Myoclonic Encephalopathy. Last evaluated: 2023-08-27. Review status: criteria provided, single submitter. Criteria: Invitae Variant Classification Sherloc (09022015). Collection method: clinical testing. Allele origin: germline.
Comment: This sequence change replaces proline, which is neutral and non-polar, with threonine, which is neutral and polar, at codon 1670 of the JMJD1C protein (p.Pro1670Thr). This variant is not present in population databases (gnomAD no frequency). This variant has not been reported in the literature in individuals affected with JMJD1C-related conditions. Advanced modeling of protein sequence and biophysical properties (such as structural, functional, and spatial information, amino acid conservation, physicochemical variation, residue mobility, and thermodynamic stability) has been performed at Invitae for this missense variant, however the output from this modeling did not meet the statistical confidence thresholds required to predict the impact of this variant on JMJD1C protein function. In summary, the available evidence is currently insufficient to determine the role of this variant in disease. Therefore, it has been classified as a Variant of Uncertain Significance.